The following is an entry in ClinVar:

ClinVar aggregate classification (germline): Uncertain significance (1 of 4 stars; one submission).

Submission:

Ambry Genetics
Classification: Uncertain significance. Last evaluated: 2025-06-07. Review status: criteria provided, single submitter. Criteria: Ambry Variant Classification Scheme 2023. Collection method: clinical testing. Allele origin: germline.
Comment: The p.L781F variant (also known as c.2341C>T), located in coding exon 15 of the RINT1 gene, results from a C to T substitution at nucleotide position 2341. The leucine at codon 781 is replaced by phenylalanine, an amino acid with highly similar properties. This amino acid position is conserved. In addition, this alteration is predicted to be deleterious by in silico analysis. Since supporting evidence is limited at this time, the clinical significance of this alteration remains unclear.

NM_021930.6(RINT1):c.2341C>T (p.Leu781Phe)

Genes: EFCAB10 (EF-hand calcium binding domain 10; minus strand), RINT1 (RAD50 interactor 1; plus strand). Cytogenetic location: 7q22.3.
Variant type: single nucleotide variant.
Coding change: c.2341C>T on transcript NM_021930.6 (MANE Select); coding-DNA position 2341, C replaced by T.
Protein change: p.Leu781Phe; replaces leucine 781 with phenylalanine.
Molecular consequence: missense variant. On other transcripts: 3 prime UTR variant (2), non-coding transcript variant (1), intron variant (3).
Genome position (GRCh38, 1-based): chr7:105,567,273, C>T. VCF-style: chr7-105567273-C-T. GRCh37 (hg19) VCF-style: chr7-105207720-C-T.
Other names: c.*181G>A (NM_001355527.2, NM_001355529.2); c.2107C>T, p.Leu703Phe (NM_001346599.2); c.1318C>T, p.Leu440Phe (NM_001346600.2, NM_001346603.2); c.1417C>T, p.Leu473Phe (NM_001346601.2); c.360-1826G>A (NM_001355531.2); c.383+194G>A (NM_001355526.2, NM_001355530.2); short protein forms L440F, L473F, L703F, L781F.
Identifiers: ClinVar variation 3227649 (VCV003227649.2), dbSNP rs1220499652, ClinGen allele CA368815676.